The following is an entry in ClinVar:

NM_007294.4(BRCA1):c.4964_4979del (p.Val1654_Ser1655insTer)

Gene: BRCA1 (BRCA1 DNA repair associated; minus strand). Cytogenetic location: 17q21.31.
Variant type: Deletion.
Coding change: c.4964_4979del on transcript NM_007294.4 (MANE Select); coding-DNA positions 4964 to 4979, 16 bases deleted (CTGGCCTGACCCCAGA).
Protein change: p.Val1654_Ser1655insTer.
Molecular consequence: nonsense. On other transcripts: frameshift variant (365), non-coding transcript variant (1).
Genome position (GRCh38, 1-based): chr17:43,070,935-43,070,950, TCTGGGGTCAGGCCAG deleted on the plus strand (CTGGCCTGACCCCAGA on the coding strand, the reverse complement: BRCA1 is on the minus strand). VCF-style (leftmost placement, unchanged base first): chr17-43070934-TTCTGGGGTCAGGCCAG-T. GRCh37 (hg19) VCF-style: chr17-41222951-TTCTGGGGTCAGGCCAG-T.
Other names: 5083dell6; c.4964_4979delCTGGCCTGACCCCAGA (NM_007294.3); c.4751_4766del16, p.Ser1584Terfs (NM_001407571.1, NM_001407894.1, NM_001407895.1 and 12 more transcripts); c.5030_5045del16, p.Ser1677Terfs (NM_001407581.1, NM_001407582.1); c.5027_5042del16, p.Ser1676Terfs (NM_001407583.1, NM_001407585.1, NM_001407587.1); c.5024_5039del16, p.Ser1675Terfs (NM_001407590.1, NM_001407591.1); c.4964_4979del16, p.Ser1655Terfs (NM_001407593.1, NM_001407594.1, NM_001407596.1 and 8 more transcripts); c.4961_4976del16, p.Ser1654Terfs (NM_001407610.1, NM_001407611.1, NM_001407612.1 and 17 more transcripts); and 75 more.
Identifiers: ClinVar variation 55334 (VCV000055334.7), dbSNP rs397509209, ClinGen allele CA003106.

ClinVar aggregate classification (germline): Pathogenic. Review status: reviewed by expert panel (3 of 4 stars). 2 submissions from 2 submitters: Pathogenic (1). 1 of the submissions does not count toward it. Last evaluated 2016-10-18.

Conditions:
Breast-ovarian cancer, familial, susceptibility to, 1 (BROVCA1). Also called: BRCA1 Hereditary Breast and Ovarian Cancer; OVARIAN CANCER, SUSCEPTIBILITY TO. Identifiers: Orphanet 145, MedGen C2676676, MONDO:0011450, OMIM 604370. Disease mechanism: loss of function.

Submissions (2):

Evidence-based Network for the Interpretation of Germline Mutant Alleles (ENIGMA)
Classification: Pathogenic for Breast-ovarian cancer, familial, susceptibility to, 1. Last evaluated: 2016-10-18. Review status: reviewed by expert panel. Criteria: ENIGMA BRCA1/2 Classification Criteria (2015). Collection method: curation. Allele origin: germline.
Comment: Variant allele predicted to encode a truncated non-functional protein.

Consortium of Investigators of Modifiers of BRCA1/2 (CIMBA), c/o University of Cambridge
Classification: Pathogenic for Breast-ovarian cancer, familial, susceptibility to, 1. Last evaluated: 2015-10-02. Review status: criteria provided, single submitter. Criteria: CIMBA Mutation Classification guidelines May 2016. Collection method: clinical testing. Allele origin: germline. Not counted in ClinVar's aggregate classification.